The following is an entry in ClinVar:

ClinVar aggregate classification (germline): Likely benign. Review status: criteria provided, multiple submitters, no conflicts (2 of 4 stars). 3 submissions from 3 submitters: Likely benign (3). Last evaluated 2025-06-12.

Conditions:
Glycogen storage disease due to lactate dehydrogenase M-subunit deficiency (GSD11). Also called: Glycogen storage disease XI; GSD XI; LACTATE DEHYDROGENASE A DEFICIENCY. Identifiers: Orphanet 284426, MedGen C2931743, MONDO:0013047, OMIM 612933.

Allele frequency attached by ClinVar (database versions not stated): TOPMed 0.00016; gnomAD exomes 0.00002 and 0.00005; ESP Exome Variant Server 0.00015; 1000 Genomes Project 0.00020; ExAC 0.00006; gnomAD 0.00015 and 0.00017; 1000 Genomes Project 30x 0.00031.
gnomAD v4.1: 49 of 1,533,844 alleles (0.0032%); highest among the groups gnomAD compares: African/African-American, 0.064%; no homozygotes.

Submissions (3):

Labcorp Genetics (formerly Invitae), Labcorp
Classification: Likely benign for Glycogen storage disease due to lactate dehydrogenase M-subunit deficiency. Last evaluated: 2025-06-12. Review status: criteria provided, single submitter. Criteria: Invitae Variant Classification Sherloc (09022015). Collection method: clinical testing. Allele origin: germline.

Fulgent Genetics
Classification: Likely benign for Glycogen storage disease due to lactate dehydrogenase M-subunit deficiency. Last evaluated: 2022-03-21. Review status: criteria provided, single submitter. Criteria: ACMG Guidelines, 2015. Collection method: clinical testing. Allele origin: unknown.

GeneDx
Classification: Likely benign. Last evaluated: 2018-04-11. Review status: criteria provided, single submitter. Criteria: GeneDx Variant Classification (06012015). Collection method: clinical testing. Allele origin: germline. Affected: yes.
Comment: This variant is considered likely benign or benign based on one or more of the following criteria: it is a conservative change, it occurs at a poorly conserved position in the protein, it is predicted to be benign by multiple in silico algorithms, and/or has population frequency not consistent with disease.

NM_005566.4(LDHA):c.594G>C (p.Val198=)

Gene: LDHA (lactate dehydrogenase A; plus strand). Cytogenetic location: 11p15.1.
Variant type: single nucleotide variant.
Coding change: c.594G>C on transcript NM_005566.4 (MANE Select); coding-DNA position 594, G replaced by C.
Protein change: p.Val198=; no amino-acid change (valine 198 retained).
Molecular consequence: synonymous variant. On other transcripts: non-coding transcript variant (1).
Genome position (GRCh38, 1-based): chr11:18,403,695, G>C. VCF-style: chr11-18403695-G-C. GRCh37 (hg19) VCF-style: chr11-18425242-G-C.
Other names: c.420G>C, p.Val140= (NM_001135239.2); c.681G>C, p.Val227= (NM_001165414.2); c.594G>C, p.Val198= (NM_001165415.2, NM_001165416.2).
Identifiers: ClinVar variation 681419 (VCV000681419.7), dbSNP rs373534867, ClinGen allele CA5911344.